The following is an entry in ClinVar:

ClinVar aggregate classification (germline): Pathogenic/Likely pathogenic. Review status: criteria provided, multiple submitters, no conflicts (2 of 4 stars). 3 submissions from 3 submitters: Pathogenic (1); Likely pathogenic (1). 1 of the submissions does not count toward it. Last evaluated 2022-07-27.

Conditions:
Propionic acidemia (PROP). Also called: GLYCINEMIA, KETOTIC; HYPERGLYCINEMIA WITH KETOACIDOSIS AND LEUKOPENIA; KETOTIC HYPERGLYCINEMIA. Identifiers: Orphanet 35, MedGen C0268579, MONDO:0011628, OMIM 606054, HP:0003571.

Allele frequency attached by ClinVar (database versions not stated): gnomAD below 0.00001 and 0.00001.
gnomAD v4.1: 1 of 1,608,106 alleles (0.000062%); highest among the groups gnomAD compares: South Asian, 0.0011%; no homozygotes.

Submissions (3):

Labcorp Genetics (formerly Invitae), Labcorp
Classification: Likely pathogenic for Propionic acidemia. Last evaluated: 2022-07-27. Review status: criteria provided, single submitter. Criteria: Invitae Variant Classification Sherloc (09022015). Collection method: clinical testing. Allele origin: germline.
Comment: This sequence change affects an acceptor splice site in intron 19 of the PCCA gene. It is expected to disrupt RNA splicing. Variants that disrupt the donor or acceptor splice site typically lead to a loss of protein function (PMID: 16199547), and loss-of-function variants in PCCA are known to be pathogenic (PMID: 15464417). This variant is not present in population databases (gnomAD no frequency). Disruption of this splice site has been observed in individual(s) with propionic acidemia (PMID: 27227689). ClinVar contains an entry for this variant (Variation ID: 218250). Algorithms developed to predict the effect of sequence changes on RNA splicing suggest that this variant may disrupt the consensus splice site. In summary, the currently available evidence indicates that the variant is pathogenic, but additional data are needed to prove that conclusively. Therefore, this variant has been classified as Likely Pathogenic.

Institute of Medical Genetics and Genomics, Sir Ganga Ram Hospital
Classification: Pathogenic for Propionic Acidemia. Last evaluated: 2013-01-01. Review status: criteria provided, single submitter. Criteria: Gupta et al. (Genet Test Mol Biomarkers 2016). Collection method: research. Allele origin: germline. Affected: yes. Observed: 1 variant allele. Study: ORGANIC ACIDURIAS.
Comment: Splice site mutation

Counsyl
Classification: Likely pathogenic for Propionic acidemia. Last evaluated: 2017-10-04. Review status: no assertion criteria provided. Collection method: clinical testing. Allele origin: unknown. Not counted in ClinVar's aggregate classification.

Literature cited by the submitters: PubMed 16199547 (cited by Labcorp Genetics (formerly Invitae), Labcorp); PubMed 15464417 (cited by Labcorp Genetics (formerly Invitae), Labcorp); PubMed 27227689 (cited by Labcorp Genetics (formerly Invitae), Labcorp and Counsyl).

NM_000282.4(PCCA):c.1747-1G>C

Gene: PCCA (propionyl-CoA carboxylase subunit alpha; plus strand). Cytogenetic location: 13q32.3.
Variant type: single nucleotide variant.
Coding change: c.1747-1G>C on transcript NM_000282.4 (MANE Select); the canonical splice acceptor site of the intron before coding-DNA position 1747, G replaced by C.
Molecular consequence: splice acceptor variant.
Genome position (GRCh38, 1-based): chr13:100,425,632, G>C. VCF-style: chr13-100425632-G-C. GRCh37 (hg19) VCF-style: chr13-101077886-G-C.
Other names: c.1747-1G>C (NM_001178004.2, NM_001352605.2, NM_001352609.2); c.1603-1G>C (NM_001352606.2); c.802-1G>C (NM_001352610.2, NM_001352611.2); c.658-1G>C (NM_001352612.2); c.1669-1G>C (NM_001127692.3, NM_001352607.2); c.1525-1G>C (NM_001352608.2).
Identifiers: ClinVar variation 218250 (VCV000218250.7), dbSNP rs879253803, ClinGen allele CA10575829.